The following is an entry in ClinVar:

NM_002335.4(LRP5):c.2130G>A (p.Glu710=)

Gene: LRP5 (LDL receptor related protein 5; plus strand). Cytogenetic location: 11q13.2.
Variant type: single nucleotide variant.
Coding change: c.2130G>A on transcript NM_002335.4 (MANE Select); coding-DNA position 2130, G replaced by A.
Protein change: p.Glu710=; no amino-acid change (glutamic acid 710 retained).
Molecular consequence: synonymous variant.
Genome position (GRCh38, 1-based): chr11:68,409,952, G>A. VCF-style: chr11-68409952-G-A. GRCh37 (hg19) VCF-style: chr11-68177420-G-A.
Other names: c.2130G>A (NM_002335.3); c.387G>A, p.Glu129= (NM_001291902.2).
Identifiers: ClinVar variation 2748860 (VCV002748860.4), dbSNP rs2496739601, ClinGen allele CA475463037.

ClinVar aggregate classification (germline): Likely benign. Review status: criteria provided, multiple submitters, no conflicts (2 of 4 stars). 2 submissions from 2 submitters: Likely benign (2). Last evaluated 2025-08-18.

Conditions:
LRP5-related disorder. Also called: LRP5-related condition.

Submissions (2):

PreventionGenetics, part of Exact Sciences
Classification: Likely benign for LRP5-related condition. Last evaluated: 2025-08-18. Review status: criteria provided, single submitter. Criteria: ACMG Guidelines, 2015. Collection method: clinical testing. Allele origin: germline.
Comment: This variant is classified as likely benign based on ACMG/AMP sequence variant interpretation guidelines (Richards et al. 2015 PMID: 25741868, with internal and published modifications).

Labcorp Genetics (formerly Invitae), Labcorp
Classification: Likely benign. Last evaluated: 2023-07-31. Review status: criteria provided, single submitter. Criteria: Invitae Variant Classification Sherloc (09022015). Collection method: clinical testing. Allele origin: germline.